The following is an entry in ClinVar:

NM_182943.3(PLOD2):c.338+4G>A

Gene: PLOD2 (procollagen-lysine,2-oxoglutarate 5-dioxygenase 2; minus strand). Cytogenetic location: 3q24.
Variant type: single nucleotide variant.
Coding change: c.338+4G>A on transcript NM_182943.3 (MANE Select); 4 bases into the intron after coding-DNA position 338, G replaced by A.
Molecular consequence: intron variant.
Genome position (GRCh38, 1-based): chr3:146,121,108, C>T on the plus strand (G>A on the coding strand, the complement: PLOD2 is on the minus strand). VCF-style: chr3-146121108-C-T. GRCh37 (hg19) VCF-style: chr3-145838895-C-T.
Other names: p.?; c.338+4G>A (NM_000935.3).
Identifiers: ClinVar variation 263074 (VCV000263074.22), dbSNP rs4681297, ClinGen allele CA2655287.

ClinVar aggregate classification (germline): Benign. Review status: criteria provided, multiple submitters, no conflicts (2 of 4 stars). 11 submissions from 11 submitters: Benign (9). 2 of the submissions do not count toward it. Last evaluated 2026-02-04.

Conditions:
Bruck syndrome 2 (BRKS2). Also called: OSTEOGENESIS IMPERFECTA WITH CONGENITAL JOINT CONTRACTURES. Identifiers: Orphanet 2771, MedGen C1836602, MONDO:0012217, OMIM 609220.

Allele frequency attached by ClinVar (database versions not stated): gnomAD exomes 0.76451 and 0.76564; ExAC 0.76661; gnomAD 0.77764 and 0.77857; 1000 Genomes Project 0.78175; ESP Exome Variant Server 0.78256; TOPMed 0.78284; 1000 Genomes Project 30x 0.78795.
gnomAD v4.1: 1,216,675 of 1,585,818 alleles (77%); highest among the groups gnomAD compares: African/African-American, 82%; 467,888 homozygotes.

Submissions (11):

Labcorp Genetics (formerly Invitae), Labcorp
Classification: Benign. Last evaluated: 2026-02-04. Review status: criteria provided, single submitter. Criteria: Invitae Variant Classification Sherloc (09022015). Collection method: clinical testing. Allele origin: germline.

Blueprint Genetics
Classification: Benign. Last evaluated: 2024-11-26. Review status: criteria provided, single submitter. Criteria: ACMG Guidelines, 2015. Collection method: clinical testing. Allele origin: germline.

Mayo Clinic Laboratories, Mayo Clinic
Classification: Benign. Last evaluated: 2022-04-26. Review status: criteria provided, single submitter. Criteria: ACMG Guidelines, 2015. Collection method: clinical testing. Allele origin: germline. Observed: 122 variant alleles.

Genome-Nilou Lab
Classification: Benign for Bruck syndrome 2. Last evaluated: 2021-10-25. Review status: criteria provided, single submitter. Criteria: ACMG Guidelines, 2015. Collection method: clinical testing. Allele origin: germline. Affected: no.

Illumina Laboratory Services, Illumina
Classification: Benign for Bruck syndrome 2. Last evaluated: 2018-01-13. Review status: criteria provided, single submitter. Criteria: ICSL Variant Classification Criteria 13 December 2019. Collection method: clinical testing. Allele origin: germline.
Comment: This variant was observed in the ICSL laboratory as part of a predisposition screen in an ostensibly healthy population. It had not been previously curated by ICSL or reported in the Human Gene Mutation Database (HGMD: prior to June 1st, 2018), and was therefore a candidate for classification through an automated scoring system. Utilizing variant allele frequency, disease prevalence and penetrance estimates, and inheritance mode, an automated score was calculated to assess if this variant is too frequent to cause the disease. Based on the score and internal cut-off values, a variant classified as benign is not then subjected to further curation. The score for this variant resulted in a classification of benign for this disease.

GeneDx
Classification: Benign. Last evaluated: 2017-06-09. Review status: criteria provided, single submitter. Criteria: GeneDx Variant Classification (06012015). Collection method: clinical testing. Allele origin: germline. Affected: yes.
Comment: This variant is considered likely benign or benign based on one or more of the following criteria: it is a conservative change, it occurs at a poorly conserved position in the protein, it is predicted to be benign by multiple in silico algorithms, and/or has population frequency not consistent with disease.

Eurofins Ntd Llc (ga)
Classification: Benign. Last evaluated: 2015-06-22. Review status: criteria provided, single submitter. Criteria: EGL Classification Definitions 2015. Collection method: clinical testing. Allele origin: germline. Observed: 1 variant allele, 1 homozygote.

Breakthrough Genomics
Classification: Benign. Review status: criteria provided, single submitter. Criteria: ACMG Guidelines, 2015. Collection method: not provided. Allele origin: germline. Inheritance: Autosomal recessive inheritance. Affected: yes.

PreventionGenetics, part of Exact Sciences
Classification: Benign. Review status: criteria provided, single submitter. Criteria: ACMG Guidelines, 2015. Collection method: clinical testing. Allele origin: germline.

Diagnostic Laboratory, Department of Genetics, University Medical Center Groningen
Classification: Benign for Bruck syndrome 2. Review status: no assertion criteria provided. Collection method: clinical testing. Allele origin: germline. Affected: yes. Study: VKGL Data-share Consensus. Not counted in ClinVar's aggregate classification.

Genome Diagnostics Laboratory, Amsterdam University Medical Center
Classification: Benign. Review status: no assertion criteria provided. Collection method: clinical testing. Allele origin: germline. Affected: yes. Study: VKGL Data-share Consensus. Not counted in ClinVar's aggregate classification.